The following is an entry in ClinVar:

ClinVar aggregate classification (germline): Likely pathogenic (1 of 4 stars; one submission).

Conditions:
Autosomal dominant WDFY3-related disorders.

Submission:

Variantyx, Inc.
Classification: Likely pathogenic for Autosomal dominant WDFY3-related disorders. Last evaluated: 2025-04-07. Review status: criteria provided, single submitter. Criteria: Variantyx Assertion Criteria 2022. Collection method: clinical testing. Allele origin: germline. Inheritance: Autosomal dominant inheritance. Affected: yes.
Comment: This is a nonsense variant in the WDFY3 gene (OMIM: 617485). Pathogenic variants in this gene have been associated with autosomal dominant WDFY3-related neurodevelopmental disorder. This variant introduces a premature termination codon in exon 34 out of 68 and is expected to result in loss of function, which is a known disease mechanism for WDFY3 in this disorder (PMID: 31327001, 27824329) (PVS1). This variant is absent from control populations (PM2). Based on the current evidence, this variant is classified as likely pathogenic for autosomal dominant WDFY3-related neurodevelopmental disorder.

Literature cited by the submitters: PubMed 31327001; PubMed 27824329.

NM_014991.6(WDFY3):c.5445G>A (p.Trp1815Ter)

Gene: WDFY3 (WD repeat and FYVE domain containing 3; minus strand). Cytogenetic location: 4q21.23.
Variant type: single nucleotide variant.
Coding change: c.5445G>A on transcript NM_014991.6 (MANE Select); coding-DNA position 5445, G replaced by A.
Protein change: p.Trp1815Ter; replaces tryptophan 1815 with a stop codon.
Molecular consequence: nonsense.
Genome position (GRCh38, 1-based): chr4:84,755,380, C>T on the plus strand (G>A on the coding strand, the complement: WDFY3 is on the minus strand). VCF-style: chr4-84755380-C-T. GRCh37 (hg19) VCF-style: chr4-85676533-C-T.
Other names: short protein forms W1815*.
Identifiers: ClinVar variation 4813740 (VCV004813740.1).
Genomic context (GRCh38, chr4:84,755,380, plus strand): 5'-TACGTTATGGATAGAAGAGACCACAGTTCCGCTGGAGGCAGGAACTCCAAAGATGAATGT[C>T]CAAATGGAATCCAAATCAAACTGCAGAGGTGAAAGGGAGCAAATATTAGCCACCACTAAT-3'